The following is an entry in ClinVar:

ClinVar aggregate classification (germline): Uncertain significance (1 of 4 stars; one submission).

Submission:

Labcorp Genetics (formerly Invitae), Labcorp
Classification: Uncertain significance. Last evaluated: 2021-04-19. Review status: criteria provided, single submitter. Criteria: Invitae Variant Classification Sherloc (09022015). Collection method: clinical testing. Allele origin: germline.
Comment: In summary, the available evidence is currently insufficient to determine the role of this variant in disease. Therefore, it has been classified as a Variant of Uncertain Significance. Advanced modeling of protein sequence and biophysical properties (such as structural, functional, and spatial information, amino acid conservation, physicochemical variation, residue mobility, and thermodynamic stability) performed at Invitae indicates that this missense variant is not expected to disrupt COL11A1 protein function. This variant has not been reported in the literature in individuals with COL11A1-related conditions. This variant is not present in population databases (ExAC no frequency). This sequence change replaces proline with alanine at codon 812 of the COL11A1 protein (p.Pro812Ala). The proline residue is highly conserved and there is a small physicochemical difference between proline and alanine.

NM_001854.4(COL11A1):c.2434C>G (p.Pro812Ala)

Gene: COL11A1 (collagen type XI alpha 1 chain; minus strand). Cytogenetic location: 1p21.1.
Variant type: single nucleotide variant.
Coding change: c.2434C>G on transcript NM_001854.4 (MANE Select); coding-DNA position 2434, C replaced by G.
Protein change: p.Pro812Ala; replaces proline 812 with alanine.
Molecular consequence: missense variant. On other transcripts: non-coding transcript variant (1).
Genome position (GRCh38, 1-based): chr1:102,987,701, G>C on the plus strand (C>G on the coding strand, the complement: COL11A1 is on the minus strand). VCF-style: chr1-102987701-G-C. GRCh37 (hg19) VCF-style: chr1-103453257-G-C.
Other names: c.2317C>G, p.Pro773Ala (NM_001190709.2); c.2470C>G, p.Pro824Ala (NM_080629.3); c.2086C>G, p.Pro696Ala (NM_080630.4); short protein forms P696A, P773A, P812A, P824A.
Identifiers: ClinVar variation 1436815 (VCV001436815.8), dbSNP rs2101738447, ClinGen allele CA341166079.
Genomic context (GRCh38, chr1:102,987,701, plus strand): 5'-CTGCTTGACCTGAAGGACCTGGGTCTCCAGTTGGGCCTGCTCGACCTTTGGGTCCTTCAG[G>C]GCCATCTTCCCCTCTTGGGCCAATTTGACCAACTTCTCCCTGAGGCACAGAATAACAACA-3'
Protein context (NP_001845.3, residues 802-822): GQIGPRGEDG[Pro812Ala]EGPKGRAGPT